The following continues an entry in ClinVar:

NM_000156.6(GAMT):c.59G>C (p.Trp20Ser)

ClinVar aggregate classification (germline): Pathogenic. Pathogenic (1).

Submissions 9 to 18 of 18:

Broad Center for Mendelian Genomics, Broad Institute of MIT and Harvard
Classification: Likely pathogenic for Cerebral creatine deficiency syndrome. Last evaluated: 2021-11-02. Review status: criteria provided, single submitter. Criteria: ACMG Guidelines, 2015. Collection method: curation. Allele origin: germline. Inheritance: Autosomal recessive inheritance. Not counted in ClinVar's aggregate classification.
Comment: The p.Trp20Ser variant in GAMT has been reported in at least 9 individuals with cerebral creatine deficiency syndrome (PMID: 15108290, 15651030, 16855203), segregated with disease in 4 affected relatives from 3 families (PMID: 15651030, 16855203), and has been identified in 0.01% (3/27420) of European (non-Finnish) chromosomes by the Genome Aggregation Database (gnomAD; dbSNP ID: rs140115503). Although this variant has been seen in the general population in a heterozygous state, its frequency is low enough to be consistent with a recessive carrier frequency. Of the 9 affected individuals, 8 of those were homozygotes, which increases the likelihood that the p.Trp20Ser variant is pathogenic (PMID: 15108290, 15651030, 16855203). This variant has also been reported in ClinVar (Variation ID#: 8303) and has been interpreted as pathogenic by Illumina Clinical Services Laboratory (Illumina), Mendelics, Integrated Genetics (Laboratory Corporation of America), Invitae, GeneReviews, Natera, Inc., and OMIM. In vitro functional studies provide some evidence that the p.Trp20Ser variant may slightly impact protein function (PMID: 17336114). However, these types of assays may not accurately represent biological function. Computational prediction tools and conservation analyses suggest that this variant may impact the protein. The phenotype of individuals homozygous or compound heterozygous for this variant is highly specific for cerebral creatine deficiency syndrome based on strict biochemical investigations consistent with disease (PMID: 15651030, 15108290, 16855203). In summary, although additional studies are required to fully establish its clinical significance, this variant is likely pathogenic for autosomal recessive cerebral creatine deficiency syndrome. ACMG/AMP Criteria applied: PM3, PP3, PS3_supporting, PM2_supporting, PP4 (Richards 2015).

Revvity Omics, Revvity
Classification: Pathogenic for Deficiency of guanidinoacetate methyltransferase. Last evaluated: 2021-08-12. Review status: criteria provided, single submitter. Criteria: ACMG Guidelines, 2015. Collection method: clinical testing. Allele origin: germline. Not counted in ClinVar's aggregate classification.

Genetics and Genomic Medicine Centre, NeuroGen Healthcare, NeuroGen Healthcare
Classification: Likely pathogenic for Deficiency of guanidinoacetate methyltransferase. Last evaluated: 2021-05-24. Review status: criteria provided, single submitter. Criteria: Submitter's publication. Collection method: clinical testing. Allele origin: unknown. Affected: no. Not counted in ClinVar's aggregate classification.

Laboratorio de Genetica e Diagnostico Molecular, Hospital Israelita Albert Einstein
Classification: Pathogenic. Last evaluated: 2021-05-24. Review status: criteria provided, single submitter. Criteria: ACMG Guidelines, 2015. Collection method: clinical testing. Allele origin: germline. Affected: yes. Not counted in ClinVar's aggregate classification.
Comment: ACMG classification criteria: PS4, PM2, PM3, PP3

Women's Health and Genetics/Laboratory Corporation of America, LabCorp
Classification: Pathogenic for Deficiency of guanidinoacetate methyltransferase. Last evaluated: 2019-12-09. Review status: criteria provided, single submitter. Criteria: LabCorp Variant Classification Summary - May 2015. Collection method: clinical testing. Allele origin: germline. Not counted in ClinVar's aggregate classification.
Comment: Variant summary: GAMT c.59G>C (p.Trp20Ser) results in a non-conservative amino acid change located in the Arginine N-methyltransferase 2-like domain (IPR026480) of the encoded protein sequence. Five of five in-silico tools predict a damaging effect of the variant on protein function. The variant allele was found at a frequency of 5.4e-05 in 74462 control chromosomes. c.59G>C has been reported in the literature in multiple individuals (both homozygous and compound heterozygous) affected with Guanidinoactetate methyltransferase deficiency (e.g. Mercimek-Mahmutoglu_2006, Araujo_2005). In many families it was reported to segregate with the disease (e.g. Mercimek-Mahmutoglu_2006, Araujo_2005). These data indicate that the variant is very likely to be associated with disease. GAMT activity was almost undetectable in patients homozygous for this mutation (Mercimek-Mahmutoglu_2006, Araujo_2005). Two ClinVar submitters (evaluation after 2014) cite the variant as Pathogenic. Based on the evidence outlined above, the variant was classified as pathogenic.

Mendelics
Classification: Pathogenic. Last evaluated: 2019-05-28. Review status: criteria provided, single submitter. Criteria: Mendelics Assertion Criteria 2017. Collection method: clinical testing. Allele origin: unknown. Not counted in ClinVar's aggregate classification.

Illumina Laboratory Services, Illumina
Classification: Pathogenic for Deficiency of guanidinoacetate methyltransferase. Last evaluated: 2019-04-05. Review status: criteria provided, single submitter. Criteria: ICSL Variant Classification Criteria 09 May 2019. Collection method: clinical testing. Allele origin: germline. Not counted in ClinVar's aggregate classification.
Comment: Across a selection of literature, the GAMT c.59G>C (p.Trp20Ser) missense variant has been reported in a homozygous state in at least ten individuals with guanidinoacetate methyltransferase deficiency from six families, and in a compound heterozygous state in at least two additional affected individuals (Item et al. 2004; Caldeira Araujo et al. 2005; Mercimek-Mahmutoglu et al. 2006). In several families, parents of affected individuals homozygous for the p.Trp20Ser variant were found to be heterozygous carriers. Control data are not available for the p.Trp20Ser variant which is reported at a frequency of 0.000109 in the European (non-Finnish) population of the Genome Aggregation Database. GAMT activity was undetectable in lymphoblasts from affected individuals homozygous for the p.Trp20Ser variant (Caldeira Araujo et al. 2005). HeLa cells transfected with p.Trp20Ser variant GAMT showed no increase in GAMT activity in contrast to cells transfected with wild type GAMT where an increase in GAMT activity was demonstrated (Almeida et al. 2007). The p.Trp20Ser variant has been reported at a higher frequency in patients from Portugal. Screening for this variant on newborn blood spot cards in Portugal identified this variant in a heterozygous state in eight newborns (Almeida et al. 2007). A founder effect was suggested based on the results from this study. Based on the collective evidence, the p.Trp20Ser variant is classified as pathogenic for guanidinoacetate methyltransferase deficiency. This variant was observed by ICSL as part of a predisposition screen in an ostensibly healthy population.

Clinical Genetics Service, Universitary Hospital 12 de Octubre
Classification: Pathogenic for Deficiency of guanidinoacetate methyltransferase. Review status: criteria provided, single submitter. Criteria: ACMG Guidelines, 2015. Collection method: clinical testing. Allele origin: germline. Affected: yes. Not counted in ClinVar's aggregate classification.

OMIM
Classification: Pathogenic for CEREBRAL CREATINE DEFICIENCY SYNDROME 2. Last evaluated: 2007-05-01. Review status: no assertion criteria provided. Collection method: literature only. Allele origin: germline. Not counted in ClinVar's aggregate classification.

GeneReviews
No classification provided. Condition: Deficiency of guanidinoacetate methyltransferase. Review status: no classification provided. Collection method: literature only. Allele origin: unknown. Not counted in ClinVar's aggregate classification.

Literature cited by the submitters: PubMed 15651030 (cited by 7 submitters); PubMed 15108290 (cited by 4 submitters); PubMed 16855203 (cited by 5 submitters); PubMed 17336114 (cited by 5 submitters); PubMed 21140503 (cited by Ambry Genetics and Labcorp Genetics (formerly Invitae), Labcorp); PubMed 23031365 (cited by Ambry Genetics); PubMed 24268530 (cited by Ambry Genetics); PubMed 20301745 (cited by GeneReviews); NCBI Bookshelf NBK3794 (cited by GeneReviews).